The following is an entry in ClinVar:

NM_003482.4(KMT2D):c.1273C>T (p.Gln425Ter)

Gene: KMT2D (lysine methyltransferase 2D; minus strand). Cytogenetic location: 12q13.12.
Variant type: single nucleotide variant.
Coding change: c.1273C>T on transcript NM_003482.4 (MANE Select); coding-DNA position 1273, C replaced by T.
Protein change: p.Gln425Ter; replaces glutamine 425 with a stop codon.
Molecular consequence: nonsense.
Genome position (GRCh38, 1-based): chr12:49,052,410, G>A on the plus strand (C>T on the coding strand, the complement: KMT2D is on the minus strand). VCF-style: chr12-49052410-G-A. GRCh37 (hg19) VCF-style: chr12-49446193-G-A.
Other names: short protein forms Q425*.
Identifiers: ClinVar variation 4292835 (VCV004292835.1).

ClinVar aggregate classification (germline): Likely pathogenic (1 of 4 stars; one submission).

Conditions:
Kabuki syndrome 1 (KABUK1). Also called: KMT2D-Related Kabuki Syndrome. Identifiers: Orphanet 2322, MedGen CN030661, MONDO:0007843, OMIM 147920.

Submission:

3billion
Classification: Likely pathogenic for Kabuki syndrome 1. Last evaluated: 2024-12-11. Review status: criteria provided, single submitter. Criteria: ACMG Guidelines, 2015. Collection method: clinical testing. Allele origin: germline. Affected: yes.
Comment: The variant is not observed in the gnomAD v4.1.0 dataset. Predicted Consequence/Location: Stop-gained (nonsense): predicted to result in a loss or disruption of normal protein function through nonsense-mediated decay (NMD) or protein truncation. Multiple pathogenic variants are reported downstream of the variant. Therefore, this variant is classified as Likely pathogenic according to the recommendation of ACMG/AMP guideline.